The following is an entry in ClinVar:

NM_020964.3(EPG5):c.4629G>A (p.Leu1543=)

Gene: EPG5 (ectopic P-granules 5 autophagy tethering factor; minus strand). Cytogenetic location: 18q21.1.
Variant type: single nucleotide variant.
Coding change: c.4629G>A on transcript NM_020964.3 (MANE Select); coding-DNA position 4629, G replaced by A.
Protein change: p.Leu1543=; no amino-acid change (leucine 1543 retained).
Molecular consequence: synonymous variant.
Genome position (GRCh38, 1-based): chr18:45,901,013, C>T on the plus strand (G>A on the coding strand, the complement: EPG5 is on the minus strand). VCF-style: chr18-45901013-C-T. GRCh37 (hg19) VCF-style: chr18-43480978-C-T.
Identifiers: ClinVar variation 784592 (VCV000784592.16), dbSNP rs182255496, ClinGen allele CA8948806.

ClinVar aggregate classification (germline): Benign/Likely benign. Review status: criteria provided, multiple submitters, no conflicts (2 of 4 stars). 4 submissions from 4 submitters: Benign (2); Likely benign (1). 1 of the submissions does not count toward it. Last evaluated 2026-01-24.

Conditions:
Vici syndrome (VICIS). Identifiers: Orphanet 1493, MedGen C1855772, MONDO:0009452, OMIM 242840.
EPG5-related disorder. Also called: EPG5-related condition. Identifiers: MedGen CN381528.

Allele frequency attached by ClinVar (database versions not stated): ExAC 0.00083; gnomAD 0.00225 and 0.00238; TOPMed 0.00251; ESP Exome Variant Server 0.00258; 1000 Genomes Project 0.00260; 1000 Genomes Project 30x 0.00297.
gnomAD v4.1: 631 of 1,613,340 alleles (0.039%); highest among the groups gnomAD compares: African/African-American, 0.75%; 2 homozygotes.

Submissions (4):

Labcorp Genetics (formerly Invitae), Labcorp
Classification: Benign for Vici syndrome. Last evaluated: 2026-01-24. Review status: criteria provided, single submitter. Criteria: Invitae Variant Classification Sherloc (09022015). Collection method: clinical testing. Allele origin: germline.

Blueprint Genetics
Classification: Likely benign. Last evaluated: 2024-11-14. Review status: criteria provided, single submitter. Criteria: ACMG Guidelines, 2015. Collection method: clinical testing. Allele origin: germline.

Breakthrough Genomics
Classification: Benign. Review status: criteria provided, single submitter. Criteria: ACMG Guidelines, 2015. Collection method: not provided. Allele origin: germline. Inheritance: Autosomal recessive inheritance. Affected: yes.

PreventionGenetics, part of Exact Sciences
Classification: Benign for EPG5-related condition. Last evaluated: 2019-11-08. Review status: no assertion criteria provided. Collection method: clinical testing. Allele origin: germline. Not counted in ClinVar's aggregate classification.
Comment: This variant is classified as benign based on ACMG/AMP sequence variant interpretation guidelines (Richards et al. 2015 PMID: 25741868, with internal and published modifications).